The following is an entry in ClinVar:

NM_000051.4(ATM):c.3868_3884del (p.Ile1290fs)

Gene: ATM (ATM serine/threonine kinase; plus strand). Cytogenetic location: 11q22.3.
Variant type: Deletion.
Coding change: c.3868_3884del on transcript NM_000051.4 (MANE Select); coding-DNA positions 3868 to 3884, 17 bases deleted (ATTCTTGTAAATATTCT).
Protein change: p.Ile1290fs; shifts the reading frame from isoleucine 1290.
Molecular consequence: frameshift variant.
Genome position (GRCh38, 1-based): chr11:108,284,348-108,284,364, ATTCTTGTAAATATTCT deleted. VCF-style (leftmost placement, unchanged base first): chr11-108284347-GATTCTTGTAAATATTCT-G. GRCh37 (hg19) VCF-style: chr11-108155074-GATTCTTGTAAATATTCT-G.
Other names: c.3868_3884del, p.Ile1290fs (NM_001351834.2); short protein forms I1290fs.
Identifiers: ClinVar variation 860236 (VCV000860236.7), dbSNP rs2082382004, ClinGen allele CA916079968.

ClinVar aggregate classification (germline): Pathogenic (1 of 4 stars; one submission).

Conditions:
Ataxia-telangiectasia syndrome (AT). Also called: Ataxia telangiectasia (A-T); Cerebello-oculocutaneous telangiectasia; Immunodeficiency with ataxia telangiectasia; AT, COMPLEMENTATION GROUP C; ATAXIA-TELANGIECTASIA, COMPLEMENTATION GROUP A; ATAXIA-TELANGIECTASIA, FRESNO VARIANT. Identifiers: Orphanet 100, MedGen C0004135, MONDO:0008840, OMIM 208900.

Submission:

Labcorp Genetics (formerly Invitae), Labcorp
Classification: Pathogenic for Ataxia-telangiectasia syndrome. Last evaluated: 2019-03-29. Review status: criteria provided, single submitter. Criteria: Invitae Variant Classification Sherloc (09022015). Collection method: clinical testing. Allele origin: germline.
Comment: For these reasons, this variant has been classified as Pathogenic. Loss-of-function variants in ATM are known to be pathogenic (PMID: 23807571, 25614872). This variant has not been reported in the literature in individuals with ATM-related conditions. This variant is not present in population databases (ExAC no frequency). This sequence change creates a premature translational stop signal (p.Ile1290Serfs*6) in the ATM gene. It is expected to result in an absent or disrupted protein product.

Literature cited by the submitters: PubMed 23807571; PubMed 25614872.